The following is an entry in ClinVar:

NM_001127222.2(CACNA1A):c.5477A>G (p.His1826Arg)

Gene: CACNA1A (calcium voltage-gated channel subunit alpha1 A; minus strand). Cytogenetic location: 19p13.13.
Variant type: single nucleotide variant.
Coding change: c.5477A>G on transcript NM_001127222.2 (MANE Select); coding-DNA position 5477, A replaced by G.
Protein change: p.His1826Arg; replaces histidine 1826 with arginine.
Molecular consequence: missense variant.
Genome position (GRCh38, 1-based): chr19:13,230,133, T>C on the plus strand (A>G on the coding strand, the complement: CACNA1A is on the minus strand). VCF-style: chr19-13230133-T-C. GRCh37 (hg19) VCF-style: chr19-13340947-T-C.
Other names: c.5495A>G, p.His1832Arg (NM_000068.4, NM_023035.3); c.5480A>G, p.His1827Arg (NM_001127221.2); c.5486A>G, p.His1829Arg (NM_001174080.2); short protein forms H1832R, H1826R, H1829R, H1827R.
Identifiers: ClinVar variation 860639 (VCV000860639.19), dbSNP rs2055610097, ClinGen allele CA404333515.
Genomic context (GRCh38, chr19:13,230,133, plus strand): 5'-ACTTCTTACCAAGCTGCGGGGTCATACTCGGCCCAGACACGCACGTACTCATCCAGGTGG[T>C]GGGGGCCCAGGATGGAGGAGTCTCGGGTGAGGTACTCAAAGTTGTCCATGATGACGGCGA-3'
Protein context (NP_001120694.1, residues 1816-1836): LTRDSSILGP[His1826Arg]HLDEYVRVWA

ClinVar aggregate classification (germline): Conflicting classifications of pathogenicity. Review status: criteria provided, conflicting classifications (1 of 4 stars). 3 submissions from 3 submitters: Likely pathogenic (2); Uncertain significance (1). Last evaluated 2025-09-15.

Conditions:
Developmental and epileptic encephalopathy, 42 (DEE42A). Also called: DEVELOPMENTAL AND EPILEPTIC ENCEPHALOPATHY 42A; EPILEPTIC ENCEPHALOPATHY, EARLY INFANTILE, 42A; Epileptic encephalopathy, early infantile, 42. Identifiers: MedGen C4310716, MONDO:0014917, OMIM 617106.
Episodic ataxia type 2 (EA2). Also called: ACETAZOLAMIDE-RESPONSIVE HEREDITARY PAROXYSMAL CEREBELLAR ATAXIA; ATAXIA, EPISODIC, WITH NYSTAGMUS; ATAXIA, FAMILIAL PAROXYSMAL; CEREBELLAR ATAXIA, PAROXYSMAL, ACETAZOLAMIDE-RESPONSIVE; CEREBELLOPATHY, HEREDITARY PAROXYSMAL; EPISODIC ATAXIA, NYSTAGMUS-ASSOCIATED. Identifiers: Orphanet 97, MedGen C1720416, MONDO:0007163, OMIM 108500.

Submissions (3):

Labcorp Genetics (formerly Invitae), Labcorp
Classification: Uncertain significance for Developmental and epileptic encephalopathy, 42; Episodic ataxia type 2. Last evaluated: 2025-09-15. Review status: criteria provided, single submitter. Criteria: Invitae Variant Classification Sherloc (09022015). Collection method: clinical testing. Allele origin: germline.
Comment: This sequence change replaces histidine, which is basic and polar, with arginine, which is basic and polar, at codon 1827 of the CACNA1A protein (p.His1827Arg). This variant is not present in population databases (gnomAD no frequency). This missense change has been observed in individual(s) with CACNA1A-related conditions (PMID: 40826761). This variant is also known as c.5430A>G. ClinVar contains an entry for this variant (Variation ID: 860639). Invitae Evidence Modeling of protein sequence and biophysical properties (such as structural, functional, and spatial information, amino acid conservation, physicochemical variation, residue mobility, and thermodynamic stability) indicates that this missense variant is expected to disrupt CACNA1A protein function with a positive predictive value of 95%. In summary, the available evidence is currently insufficient to determine the role of this variant in disease. Therefore, it has been classified as a Variant of Uncertain Significance.

3billion
Classification: Likely pathogenic for Developmental and epileptic encephalopathy, 42. Last evaluated: 2024-07-23. Review status: criteria provided, single submitter. Criteria: ACMG Guidelines, 2015. Collection method: clinical testing. Allele origin: germline. Affected: yes.
Comment: The variant is not observed in the gnomAD v4.1.0 dataset. Predicted Consequence/Location: Missense variant In silico tool predictions suggest damaging effect of the variant on gene or gene product [REVEL: 0.89 (>=0.6, sensitivity 0.68 and specificity 0.92); 3Cnet: 0.23 (>=0.6, sensitivity 0.72 and precision 0.9)]. The same nucleotide change resulting in the same amino acid change has been previously reported to be associated with CACNA1A-related disorder (ClinVar ID: VCV000860639).The variant has been observed in at least two similarly affected unrelated individuals (3billion dataset). Therefore, this variant is classified as Likely pathogenic according to the recommendation of ACMG/AMP guideline.

GeneDx
Classification: Likely pathogenic. Last evaluated: 2024-02-07. Review status: criteria provided, single submitter. Criteria: GeneDx Variant Classification Process June 2021. Collection method: clinical testing. Allele origin: germline. Affected: yes.
Comment: Not observed at significant frequency in large population cohorts (gnomAD); In silico analysis supports that this missense variant has a deleterious effect on protein structure/function; Has not been previously published as pathogenic or benign to our knowledge

Literature cited by the submitters: PubMed 40826761 (cited by Labcorp Genetics (formerly Invitae), Labcorp).